The following is an entry in ClinVar:

ClinVar aggregate classification (germline): Uncertain significance (1 of 4 stars; one submission).

Conditions:
Amyotrophic lateral sclerosis type 1 (ALS1). Also called: AMYOTROPHIC LATERAL SCLEROSIS 1, FAMILIAL. Identifiers: Orphanet 803, MedGen C1862939, MONDO:0007103, OMIM 105400.
Neuronopathy, distal hereditary motor, type 7B. Also called: HMN VIIB; LOWER MOTOR NEURON DISEASE, DYNACTIN TYPE; NEURONOPATHY, DISTAL HEREDITARY MOTOR, AUTOSOMAL DOMINANT 14; NEURONOPATHY, DISTAL HEREDITARY MOTOR, HARDING TYPE VIIB; NEUROPATHY, DISTAL HEREDITARY MOTOR, HARDING TYPE VIIB; NEUROPATHY, DISTAL HEREDITARY MOTOR, WITH VOCAL CORD PARALYSIS, HARDING TYPE VIIB. Identifiers: Orphanet 139589, MedGen C1843315, MONDO:0011879, OMIM 607641.
Perry syndrome. Also called: PARKINSONISM WITH ALVEOLAR HYPOVENTILATION AND MENTAL DEPRESSION. Identifiers: Orphanet 178509, MedGen C1868594, MONDO:0008201, OMIM 168605.

Allele frequency attached by ClinVar (database versions not stated): gnomAD exomes below 0.00001; gnomAD 0.00001.
gnomAD v4.1: 3 of 1,613,096 alleles (0.00019%); highest among the groups gnomAD compares: South Asian, 0.0033%; no homozygotes.

Submission:

Labcorp Genetics (formerly Invitae), Labcorp
Classification: Uncertain significance for Amyotrophic lateral sclerosis type 1; Neuronopathy, distal hereditary motor, type 7B; Perry syndrome. Last evaluated: 2023-10-30. Review status: criteria provided, single submitter. Criteria: Invitae Variant Classification Sherloc (09022015). Collection method: clinical testing. Allele origin: germline.
Comment: This sequence change replaces leucine, which is neutral and non-polar, with valine, which is neutral and non-polar, at codon 131 of the DCTN1 protein (p.Leu131Val). This variant is not present in population databases (gnomAD no frequency). This variant has not been reported in the literature in individuals affected with DCTN1-related conditions. An algorithm developed to predict the effect of missense changes on protein structure and function (PolyPhen-2) suggests that this variant is likely to be tolerated. In summary, the available evidence is currently insufficient to determine the role of this variant in disease. Therefore, it has been classified as a Variant of Uncertain Significance.

NM_004082.5(DCTN1):c.391C>G (p.Leu131Val)

Gene: DCTN1 (dynactin subunit 1; minus strand). Cytogenetic location: 2p13.1.
Variant type: single nucleotide variant.
Coding change: c.391C>G on transcript NM_004082.5 (MANE Select); coding-DNA position 391, C replaced by G.
Protein change: p.Leu131Val; replaces leucine 131 with valine.
Molecular consequence: missense variant. On other transcripts: non-coding transcript variant (1).
Genome position (GRCh38, 1-based): chr2:74,377,434, G>C on the plus strand (C>G on the coding strand, the complement: DCTN1 is on the minus strand). VCF-style: chr2-74377434-G-C. GRCh37 (hg19) VCF-style: chr2-74604561-G-C.
Other names: c.391C>G, p.Leu131Val (NM_001135040.3, NM_001190837.2); c.340C>G, p.Leu114Val (NM_001190836.2, NM_001378991.1, NM_001378992.1); short protein forms L131V, L114V.
Identifiers: ClinVar variation 2947337 (VCV002947337.3), dbSNP rs1675288967, ClinGen allele CA347320478.
Genomic context (GRCh38, chr2:74,377,434, plus strand): 5'-TCCTCTTTCTCCTTCCCCTCCCTTTATTATTCCCCATTCCCACCCCCAAATCACTCACCA[G>C]TTTGCTAGTCTTTGCAGTTGTATCAGTTCCCTCTGTAGAAAGCAAACAGAAACAAAGTGT-3'
Protein context (NP_004073.2, residues 121-141): GTDTTAKTSK[Leu131Val]RGLKPKKAPT